The following is an entry in ClinVar:

NM_001715.3(BLK):c.465C>A (p.Thr155=)

Genes: BLK (BLK proto-oncogene, Src family tyrosine kinase), LOC126860303 (CDK7 strongly-dependent group 2 enhancer GRCh37_chr8:11407118-11408317). Cytogenetic location: 8p23.1.
Variant type: single nucleotide variant.
Coding change: c.465C>A on transcript NM_001715.3 (MANE Select); coding-DNA position 465, C replaced by A.
Protein change: p.Thr155=; no amino-acid change (threonine 155 retained).
Molecular consequence: synonymous variant.
Genome position (GRCh38, 1-based): chr8:11,550,255, C>A. VCF-style: chr8-11550255-C-A. GRCh37 (hg19) VCF-style: chr8-11407764-C-A.
Other names: c.252C>A, p.Thr84= (NM_001330465.2).
Identifiers: ClinVar variation 2658404 (VCV002658404.24), dbSNP rs375035401, ClinGen allele CA459309784.

ClinVar aggregate classification (germline): Likely benign (1 of 4 stars; one submission).

gnomAD v4.1: 2 of 1,613,892 alleles (0.00012%); highest among the groups gnomAD compares: Non-Finnish European, 0.00017%; no homozygotes.

Submission:

CeGaT Center for Human Genetics Tuebingen
Classification: Likely benign. Last evaluated: 2022-04-01. Review status: criteria provided, single submitter. Criteria: CeGaT Center For Human Genetics Tuebingen Variant Classification Criteria Version 2. Collection method: clinical testing. Allele origin: germline. Affected: yes. Observed: 1 variant allele.
Comment: BLK: PM2:Supporting, BP4, BP7